The following is an entry in ClinVar:

NM_014249.4(NR2E3):c.1097_1098del (p.Val366fs)

Gene: NR2E3 (nuclear receptor subfamily 2 group E member 3; plus strand). Cytogenetic location: 15q23.
Variant type: Deletion.
Coding change: c.1097_1098del on transcript NM_014249.4 (MANE Select); coding-DNA positions 1097 to 1098, 2 bases deleted (TG; older notation c.1097_1098delTG).
Protein change: p.Val366fs; shifts the reading frame from valine 366.
Molecular consequence: frameshift variant.
Genome position (GRCh38, 1-based): chr15:71,814,114-71,814,115, TG deleted; deleting any 2 consecutive bases within chr15:71,814,113-71,814,115 gives the same sequence; the c. name uses the placement nearest the transcript's 3' end. VCF-style (leftmost placement, unchanged base first): chr15-71814112-CGT-C. GRCh37 (hg19) VCF-style: chr15-72106453-CGT-C.
Other names: c.1097_1098del, p.Val366fs (NM_016346.4); short protein forms V366fs.
Identifiers: ClinVar variation 1900501 (VCV001900501.3), dbSNP rs2543257393, ClinGen allele CA2580089951.

ClinVar aggregate classification (germline): Conflicting classifications of pathogenicity. Review status: criteria provided, conflicting classifications (1 of 4 stars). 2 submissions from 2 submitters: Likely pathogenic (1); Uncertain significance (1). Last evaluated 2023-02-22.

Conditions:
Enhanced S-cone syndrome (ESCS). Identifiers: Orphanet 53540, MedGen C1849394, MONDO:0100288, MONDO:0009989.

Submissions (2):

Baylor Genetics
Classification: Likely pathogenic for ENHANCED S-CONE SYNDROME 1. Last evaluated: 2023-02-22. Review status: criteria provided, single submitter. Criteria: ACMG Guidelines, 2015. Collection method: clinical testing. Allele origin: unknown.

Labcorp Genetics (formerly Invitae), Labcorp
Classification: Uncertain significance. Last evaluated: 2022-09-13. Review status: criteria provided, single submitter. Criteria: Invitae Variant Classification Sherloc (09022015). Collection method: clinical testing. Allele origin: germline.
Comment: This sequence change creates a premature translational stop signal (p.Val366Glufs*40) in the NR2E3 gene. While this is not anticipated to result in nonsense mediated decay, it is expected to disrupt the last 45 amino acid(s) of the NR2E3 protein. This variant is not present in population databases (gnomAD no frequency). This variant has not been reported in the literature in individuals affected with NR2E3-related conditions. Experimental studies and prediction algorithms are not available or were not evaluated, and the functional significance of this variant is currently unknown. In summary, the available evidence is currently insufficient to determine the role of this variant in disease. Therefore, it has been classified as a Variant of Uncertain Significance.